The following is an entry in ClinVar:

NM_001082971.2(DDC):c.221C>T (p.Pro74Leu)

Genes: DDC (dopa decarboxylase; minus strand), DDC-AS1 (DDC antisense RNA 1; plus strand). Cytogenetic location: 7p12.1.
Variant type: single nucleotide variant.
Coding change: c.221C>T on transcript NM_001082971.2 (MANE Select); coding-DNA position 221, C replaced by T.
Protein change: p.Pro74Leu; replaces proline 74 with leucine.
Molecular consequence: missense variant. On other transcripts: non-coding transcript variant (1), intron variant (2).
Genome position (GRCh38, 1-based): chr7:50,540,009, G>A on the plus strand (C>T on the coding strand, the complement: DDC is on the minus strand). VCF-style: chr7-50540009-G-A. GRCh37 (hg19) VCF-style: chr7-50607707-G-A.
Other names: c.221C>T, p.Pro74Leu (NM_000790.4, NM_001242887.2, NM_001242889.2 and 1 more transcripts); c.201+3876C>T (NM_001242888.2); c.202-2030C>T (NM_001242886.2); short protein forms P74L.
Identifiers: ClinVar variation 1414971 (VCV001414971.8), dbSNP rs1045841207, ClinGen allele CA158234094.

ClinVar aggregate classification (germline): Uncertain significance (1 of 4 stars; one submission).

Conditions:
Deficiency of aromatic-L-amino-acid decarboxylase. Also called: Aromatic L-Amino Acid Decarboxylase Deficiency; DDC DEFICIENCY; DOPA DECARBOXYLASE DEFICIENCY; Aromatic amino acid decarboxylase deficiency; AADC DEFICIENCY. Identifiers: Orphanet 35708, MedGen C1291564, MONDO:0012084, OMIM 608643.

Allele frequency attached by ClinVar (database versions not stated): gnomAD 0.00001; TOPMed 0.00001.
gnomAD v4.1: 1 of 1,613,682 alleles (0.000062%); highest among the groups gnomAD compares: African/African-American, 0.0013%; no homozygotes.

Submission:

Labcorp Genetics (formerly Invitae), Labcorp
Classification: Uncertain significance for Deficiency of aromatic-L-amino-acid decarboxylase. Last evaluated: 2021-04-11. Review status: criteria provided, single submitter. Criteria: Invitae Variant Classification Sherloc (09022015). Collection method: clinical testing. Allele origin: germline.
Comment: In summary, the available evidence is currently insufficient to determine the role of this variant in disease. Therefore, it has been classified as a Variant of Uncertain Significance. Algorithms developed to predict the effect of missense changes on protein structure and function are either unavailable or do not agree on the potential impact of this missense change (SIFT: "Deleterious"; PolyPhen-2: "Probably Damaging"; Align-GVGD: "Class C0"). This variant has not been reported in the literature in individuals with DDC-related conditions. This variant is not present in population databases (ExAC no frequency). This sequence change replaces proline with leucine at codon 74 of the DDC protein (p.Pro74Leu). The proline residue is highly conserved and there is a moderate physicochemical difference between proline and leucine.